The following is an entry in ClinVar:

ClinVar aggregate classification (germline): Uncertain significance (1 of 4 stars; one submission).

Allele frequency attached by ClinVar (database versions not stated): TOPMed below 0.00001; gnomAD 0.00001; gnomAD exomes 0.00002.
gnomAD v4.1: 26 of 1,613,758 alleles (0.0016%); highest among the groups gnomAD compares: Non-Finnish European, 0.0022%; no homozygotes.

Submission:

Ambry Genetics
Classification: Uncertain significance. Last evaluated: 2022-08-16. Review status: criteria provided, single submitter. Criteria: Ambry Variant Classification Scheme 2023. Collection method: clinical testing. Allele origin: germline.
Comment: The p.E767A variant (also known as c.2300A>C), located in coding exon 15 of the MYOM1 gene, results from an A to C substitution at nucleotide position 2300. The glutamic acid at codon 767 is replaced by alanine, an amino acid with dissimilar properties. This amino acid position is conserved. In addition, the in silico prediction for this alteration is inconclusive. Since supporting evidence is limited at this time, the clinical significance of this alteration remains unclear.

NM_003803.4(MYOM1):c.2300A>C (p.Glu767Ala)

Gene: MYOM1 (myomesin 1; minus strand). Cytogenetic location: 18p11.31.
Variant type: single nucleotide variant.
Coding change: c.2300A>C on transcript NM_003803.4 (MANE Select); coding-DNA position 2300, A replaced by C.
Protein change: p.Glu767Ala; replaces glutamic acid 767 with alanine.
Molecular consequence: missense variant.
Genome position (GRCh38, 1-based): chr18:3,134,734, T>G on the plus strand (A>C on the coding strand, the complement: MYOM1 is on the minus strand). VCF-style: chr18-3134734-T-G. GRCh37 (hg19) VCF-style: chr18-3134732-T-G.
Other names: c.2300A>C, p.Glu767Ala (NM_019856.2); short protein forms E767A.
Identifiers: ClinVar variation 1789281 (VCV001789281.2), dbSNP rs987219878, ClinGen allele CA295518833.